The following is an entry in ClinVar:

ClinVar aggregate classification (germline): Conflicting classifications of pathogenicity. Review status: criteria provided, conflicting classifications (1 of 4 stars). 2 submissions from 2 submitters: Uncertain significance (1); Likely benign (1). Last evaluated 2025-08-09.

Conditions:
Immunodeficiency, common variable, 2 (CVID2). Also called: ANTIBODY DEFICIENCY DUE TO TACI DEFECT; HYPOGAMMAGLOBULINEMIA DUE TO TACI DEFICIENCY. Identifiers: Orphanet 1572, MedGen C3150354, MONDO:0009413, OMIM 240500.
Immunoglobulin A deficiency 2 (IGAD2). Identifiers: MedGen C1836032, MONDO:0012291, OMIM 609529.

Allele frequency attached by ClinVar (database versions not stated): ESP Exome Variant Server 0.00008; gnomAD exomes 0.00009 and 0.00023; TOPMed 0.00009; ExAC 0.00024.
gnomAD v4.1: 56 of 1,614,184 alleles (0.0035%); highest among the groups gnomAD compares: Admixed American, 0.093%; no homozygotes.

Submissions (2):

Labcorp Genetics (formerly Invitae), Labcorp
Classification: Likely benign for Immunodeficiency, common variable, 2. Last evaluated: 2025-08-09. Review status: criteria provided, single submitter. Criteria: Invitae Variant Classification Sherloc (09022015). Collection method: clinical testing. Allele origin: germline.

Center for Genomics, Ann and Robert H. Lurie Children's Hospital of Chicago
Classification: Uncertain significance for Immunodeficiency, common variable, 2; Immunoglobulin A deficiency 2. Review status: criteria provided, single submitter. Criteria: ACMG Guidelines, 2015. Collection method: clinical testing. Allele origin: germline.
Comment: TNFRSF13B NM_012452.2 exon 2 p.Ser49Pro (c.145T>C): This variant has not been reported in the literature but is present in 0.1% (58/34586) of Latino alleles in the Genome Aggregation Database. Evolutionary conservation for this variant is unclear; computational predictive tools suggest that this variant may not impact the protein. In summary, data on this variant is insufficient for disease classification. Therefore, the clinical significance of this variant is uncertain

NM_012452.3(TNFRSF13B):c.145T>C (p.Ser49Pro)

Gene: TNFRSF13B (TNF receptor superfamily member 13B; minus strand). Cytogenetic location: 17p11.2.
Variant type: single nucleotide variant.
Coding change: c.145T>C on transcript NM_012452.3 (MANE Select); coding-DNA position 145, T replaced by C.
Protein change: p.Ser49Pro; replaces serine 49 with proline.
Molecular consequence: missense variant.
Genome position (GRCh38, 1-based): chr17:16,952,500, A>G on the plus strand (T>C on the coding strand, the complement: TNFRSF13B is on the minus strand). VCF-style: chr17-16952500-A-G. GRCh37 (hg19) VCF-style: chr17-16855814-A-G.
Other names: short protein forms S49P.
Identifiers: ClinVar variation 626190 (VCV000626190.7), dbSNP rs374547688, ClinGen allele CA8414100.